The following is an entry in ClinVar:

ClinVar aggregate classification (germline): Uncertain significance (1 of 4 stars; one submission).

Conditions:
Developmental and epileptic encephalopathy, 12 (DEE12). Identifiers: MedGen C3150988, MONDO:0013389, OMIM 613722.

Allele frequency attached by ClinVar (database versions not stated): TOPMed below 0.00001.

Submission:

Labcorp Genetics (formerly Invitae), Labcorp
Classification: Uncertain significance for Developmental and epileptic encephalopathy, 12. Last evaluated: 2021-06-30. Review status: criteria provided, single submitter. Criteria: Invitae Variant Classification Sherloc (09022015). Collection method: clinical testing. Allele origin: germline.
Comment: In summary, the available evidence is currently insufficient to determine the role of this variant in disease. Therefore, it has been classified as a Variant of Uncertain Significance. Algorithms developed to predict the effect of missense changes on protein structure and function are either unavailable or do not agree on the potential impact of this missense change (SIFT: "Tolerated"; PolyPhen-2: "Possibly Damaging"; Align-GVGD: "Class C0"). This variant has not been reported in the literature in individuals affected with PLCB1-related conditions. This variant is not present in population databases (ExAC no frequency). This sequence change replaces aspartic acid with glutamic acid at codon 519 of the PLCB1 protein (p.Asp519Glu). The aspartic acid residue is moderately conserved and there is a small physicochemical difference between aspartic acid and glutamic acid.

NM_015192.4(PLCB1):c.1557C>A (p.Asp519Glu)

Gene: PLCB1 (phospholipase C beta 1; plus strand). Cytogenetic location: 20p12.3.
Variant type: single nucleotide variant.
Coding change: c.1557C>A on transcript NM_015192.4 (MANE Select); coding-DNA position 1557, C replaced by A.
Protein change: p.Asp519Glu; replaces aspartic acid 519 with glutamic acid.
Molecular consequence: missense variant.
Genome position (GRCh38, 1-based): chr20:8,722,397, C>A. VCF-style: chr20-8722397-C-A. GRCh37 (hg19) VCF-style: chr20-8703044-C-A.
Other names: c.1557C>A, p.Asp519Glu (NM_182734.3); short protein forms D519E.
Identifiers: ClinVar variation 1363526 (VCV001363526.7), dbSNP rs1979694638, ClinGen allele CA408202962.